The following is an entry in ClinVar:

NM_005343.4(HRAS):c.189G>C (p.Glu63Asp)

Genes: HRAS (HRas proto-oncogene, GTPase; minus strand), LRRC56 (leucine rich repeat containing 56; plus strand). Cytogenetic location: 11p15.5.
Variant type: single nucleotide variant.
Coding change: c.189G>C on transcript NM_005343.4 (MANE Select); coding-DNA position 189, G replaced by C.
Protein change: p.Glu63Asp; replaces glutamic acid 63 with aspartic acid.
Molecular consequence: missense variant. On other transcripts: 5 prime UTR variant (1).
Genome position (GRCh38, 1-based): chr11:533,867, C>G on the plus strand (G>C on the coding strand, the complement: HRAS is on the minus strand). VCF-style: chr11-533867-C-G. GRCh37 (hg19) VCF-style: chr11-533867-C-G.
Other names: c.189G>C, p.Glu63Asp (NM_001130442.3, NM_176795.5); c.-131G>C (NM_001318054.2); short protein forms E63D.
Identifiers: ClinVar variation 1954526 (VCV001954526.5), dbSNP rs2133990918, ClinGen allele CA378924663.
Genomic context (GRCh38, chr11:533,867, plus strand): 5'-GGCAAACACACACAGGAAGCCCTCCCCGGTGCGCATGTACTGGTCCCGCATGGCGCTGTA[C>G]TCCTCCTGGCCGGCGGTATCCAGGATGTCCAACAGGCACGTCTCCCCATCAATGACCACC-3'
Protein context (NP_005334.1, residues 53-73): LDILDTAGQE[Glu63Asp]YSAMRDQYMR

ClinVar aggregate classification (germline): Uncertain significance (1 of 4 stars; one submission).

Conditions:
Costello syndrome (CSTLO). Also called: HRAS-Related Costello Syndrome; FACIOCUTANEOSKELETAL SYNDROME; FCS SYNDROME. Identifiers: Orphanet 3071, MedGen C0587248, MONDO:0009026, OMIM 218040.

gnomAD v4.1: 1 of 1,613,344 alleles (0.000062%); no homozygotes.

Submission:

Labcorp Genetics (formerly Invitae), Labcorp
Classification: Uncertain significance for Costello syndrome. Last evaluated: 2022-02-20. Review status: criteria provided, single submitter. Criteria: Invitae Variant Classification Sherloc (09022015). Collection method: clinical testing. Allele origin: germline.
Comment: In summary, the available evidence is currently insufficient to determine the role of this variant in disease. Therefore, it has been classified as a Variant of Uncertain Significance. This sequence change replaces glutamic acid, which is acidic and polar, with aspartic acid, which is acidic and polar, at codon 63 of the HRAS protein (p.Glu63Asp). This variant is not present in population databases (gnomAD no frequency). This variant has not been reported in the literature in individuals affected with HRAS-related conditions. Advanced modeling of protein sequence and biophysical properties (such as structural, functional, and spatial information, amino acid conservation, physicochemical variation, residue mobility, and thermodynamic stability) performed at Invitae indicates that this missense variant is not expected to disrupt HRAS protein function. This variant disrupts the p.Glu63 amino acid residue in HRAS. Other variant(s) that disrupt this residue have been determined to be pathogenic (PMID: 17412879, 25070542, 26001911). This suggests that this residue is clinically significant, and that variants that disrupt this residue are likely to be disease-causing.

Literature cited by the submitters: PubMed 17412879; PubMed 25070542; PubMed 26001911.